The following is an entry in ClinVar:

ClinVar aggregate classification (germline): Pathogenic (1 of 4 stars; one submission).

Conditions:
Melnick-Needles syndrome (MNS). Also called: MELNICK-NEEDLES OSTEODYSPLASTY; Melnick-Needles Syndrome (FLNA-MNS); OSTEODYSPLASTY OF MELNICK AND NEEDLES. Identifiers: Orphanet 2484, MedGen C0025237, MONDO:0010650, OMIM 309350.
Frontometaphyseal dysplasia (FMD1). Identifiers: Orphanet 1826, MedGen C0265293, MONDO:0015942.
Heterotopia, periventricular, X-linked dominant (PVNH1). Also called: PERIVENTRICULAR NODULAR HETEROTOPIA 1; X-linked periventricular heterotopia; PERIVENTRICULAR NODULAR HETEROTOPIA 4; HETEROTOPIA, PERIVENTRICULAR, 1. Identifiers: Orphanet 2149, Orphanet 82004, MedGen C1848213, MONDO:0010233, OMIM 300049.
Oto-palato-digital syndrome, type II (OPD2). Also called: FACIOPALATOOSSEOUS SYNDROME; Otopalatodigital Syndrome Type 2 (FLNA-OPD2); OPD II SYNDROME; Otopalatodigital Syndrome, Type II. Identifiers: Orphanet 669, Orphanet 90652, MedGen C1844696, MONDO:0010571, OMIM 304120.

Submission:

Labcorp Genetics (formerly Invitae), Labcorp
Classification: Pathogenic for Oto-palato-digital syndrome, type II; Heterotopia, periventricular, X-linked dominant; Frontometaphyseal dysplasia; Melnick-Needles syndrome. Last evaluated: 2020-11-03. Review status: criteria provided, single submitter. Criteria: Invitae Variant Classification Sherloc (09022015). Collection method: clinical testing. Allele origin: germline.
Comment: This variant has not been reported in the literature in individuals with FLNA-related conditions. This sequence change creates a premature translational stop signal (p.Ser219Thrfs*23) in the FLNA gene. It is expected to result in an absent or disrupted protein product. Loss-of-function variants in FLNA are known to be pathogenic (PMID: 16684786, 20730588, 26471271). This variant is not present in population databases (ExAC no frequency). For these reasons, this variant has been classified as Pathogenic.

Literature cited by the submitters: PubMed 16684786; PubMed 20730588; PubMed 26471271.

NM_001110556.2(FLNA):c.656del (p.Ser219fs)

Gene: FLNA (filamin A; minus strand). Cytogenetic location: Xq28.
Variant type: Deletion.
Coding change: c.656del on transcript NM_001110556.2 (MANE Select); coding-DNA position 656, one base deleted (G; older notation c.656delG).
Protein change: p.Ser219fs; shifts the reading frame from serine 219.
Molecular consequence: frameshift variant.
Genome position (GRCh38, 1-based): chrX:154,367,705, C deleted on the plus strand (G on the coding strand, the reverse complement: FLNA is on the minus strand). VCF-style (leftmost placement, unchanged base first): chrX-154367704-GC-G. GRCh37 (hg19) VCF-style: chrX-153596072-GC-G.
Other names: c.656del, p.Ser219fs (NM_001456.4); short protein forms S219fs.
Identifiers: ClinVar variation 1451173 (VCV001451173.6), dbSNP rs2148119182, ClinGen allele CA2573159434.